The following is an entry in ClinVar:

ClinVar aggregate classification (germline): Uncertain significance (1 of 4 stars; one submission).

Submission:

Labcorp Genetics (formerly Invitae), Labcorp
Classification: Uncertain significance. Last evaluated: 2024-10-16. Review status: criteria provided, single submitter. Criteria: Invitae Variant Classification Sherloc (09022015). Collection method: clinical testing. Allele origin: germline.
Comment: This sequence change creates a premature translational stop signal (p.Gln477*) in the EXTL3 gene. It is expected to result in an absent or disrupted protein product. However, the current clinical and genetic evidence is not sufficient to establish whether loss-of-function variants in EXTL3 cause disease. This variant is not present in population databases (gnomAD no frequency). This variant has not been reported in the literature in individuals affected with EXTL3-related conditions. ClinVar contains an entry for this variant (Variation ID: 1447444). In summary, the available evidence is currently insufficient to determine the role of this variant in disease. Therefore, it has been classified as a Variant of Uncertain Significance.

NM_001440.4(EXTL3):c.1429C>T (p.Gln477Ter)

Gene: EXTL3 (exostosin like glycosyltransferase 3; plus strand). Cytogenetic location: 8p21.1.
Variant type: single nucleotide variant.
Coding change: c.1429C>T on transcript NM_001440.4 (MANE Select); coding-DNA position 1429, C replaced by T.
Protein change: p.Gln477Ter; replaces glutamine 477 with a stop codon.
Molecular consequence: nonsense.
Genome position (GRCh38, 1-based): chr8:28,717,488, C>T. VCF-style: chr8-28717488-C-T. GRCh37 (hg19) VCF-style: chr8-28575005-C-T.
Other names: short protein forms Q477*.
Identifiers: ClinVar variation 1447444 (VCV001447444.6), dbSNP rs2130740153, ClinGen allele CA370859506.